The following is an entry in ClinVar:

NM_003803.4(MYOM1):c.4633G>C (p.Asp1545His)

Gene: MYOM1 (myomesin 1; minus strand). Cytogenetic location: 18p11.31.
Variant type: single nucleotide variant.
Coding change: c.4633G>C on transcript NM_003803.4 (MANE Select); coding-DNA position 4633, G replaced by C.
Protein change: p.Asp1545His; replaces aspartic acid 1545 with histidine.
Molecular consequence: missense variant.
Genome position (GRCh38, 1-based): chr18:3,079,194, C>G on the plus strand (G>C on the coding strand, the complement: MYOM1 is on the minus strand). VCF-style: chr18-3079194-C-G. GRCh37 (hg19) VCF-style: chr18-3079192-C-G.
Other names: c.4345G>C, p.Asp1449His (NM_019856.2); short protein forms D1449H, D1545H.
Identifiers: ClinVar variation 1382023 (VCV001382023.6), dbSNP rs780950239, ClinGen allele CA8873892.

ClinVar aggregate classification (germline): Uncertain significance (1 of 4 stars; one submission).

Conditions:
Hypertrophic cardiomyopathy. Also called: HYPERTROPHIC MYOCARDIOPATHY. Identifiers: Orphanet 217569, MedGen C0007194, MeSH D002312, MONDO:0005045, HP:0001639.

Allele frequency attached by ClinVar (database versions not stated): gnomAD exomes below 0.00001; ExAC 0.00001.
gnomAD v4.1: 1 of 1,613,764 alleles (0.000062%); highest among the groups gnomAD compares: Non-Finnish European, 0.000085%; no homozygotes.

Submission:

Labcorp Genetics (formerly Invitae), Labcorp
Classification: Uncertain significance for Hypertrophic cardiomyopathy. Last evaluated: 2022-11-08. Review status: criteria provided, single submitter. Criteria: Invitae Variant Classification Sherloc (09022015). Collection method: clinical testing. Allele origin: germline.
Comment: Advanced modeling of protein sequence and biophysical properties (such as structural, functional, and spatial information, amino acid conservation, physicochemical variation, residue mobility, and thermodynamic stability) performed at Invitae indicates that this missense variant is not expected to disrupt MYOM1 protein function. In summary, the available evidence is currently insufficient to determine the role of this variant in disease. Therefore, it has been classified as a Variant of Uncertain Significance. ClinVar contains an entry for this variant (Variation ID: 1382023). This variant has not been reported in the literature in individuals affected with MYOM1-related conditions. This variant is present in population databases (rs780950239, gnomAD 0.0009%). This sequence change replaces aspartic acid, which is acidic and polar, with histidine, which is basic and polar, at codon 1545 of the MYOM1 protein (p.Asp1545His).